The following is an entry in ClinVar:

ClinVar aggregate classification (germline): Conflicting classifications of pathogenicity. Review status: criteria provided, conflicting classifications (1 of 4 stars). 2 submissions from 1 submitter: Pathogenic (1); Uncertain significance (1). Last evaluated 2020-08-03.

Conditions:
Microcephaly 2, primary, autosomal recessive, with or without cortical malformations. Also called: MICROCEPHALY 2, PRIMARY, AUTOSOMAL RECESSIVE, WITH CORTICAL MALFORMATIONS; WDR62 Primary Microcephaly. Identifiers: Orphanet 2512, MedGen C1858535, MONDO:0011435, OMIM 604317.
Intellectual disability. Also called: intellectual disabilities; Intellectual developmental disorder; Intellectual functioning disability. Identifiers: MedGen C3714756, MeSH D008607, MONDO:0001071, HP:0001249.

Submissions (2):

Institute of Human Genetics, University of Leipzig Medical Center
Classification: Pathogenic for Intellectual disability. Last evaluated: 2020-08-03. Review status: criteria provided, single submitter. Criteria: ACMG Guidelines, 2015. Collection method: clinical testing. Allele origin: paternal. Affected: yes.

Institute of Human Genetics, University of Leipzig Medical Center
Classification: Uncertain significance for Microcephaly 2, primary, autosomal recessive, with or without cortical malformations. Last evaluated: 2019-01-01. Review status: criteria provided, single submitter. Criteria: ACMG Guidelines, 2015. Collection method: clinical testing. Allele origin: unknown. Affected: yes.
Comment: This variant was identified as compound heterozygous.

NM_001083961.2(WDR62):c.4312-1G>C

Gene: WDR62 (WD repeat domain 62; plus strand). Cytogenetic location: 19q13.12.
Variant type: single nucleotide variant.
Coding change: c.4312-1G>C on transcript NM_001083961.2 (MANE Select); the canonical splice acceptor site of the intron before coding-DNA position 4312, G replaced by C.
Molecular consequence: splice acceptor variant.
Genome position (GRCh38, 1-based): chr19:36,104,767, G>C. VCF-style: chr19-36104767-G-C. GRCh37 (hg19) VCF-style: chr19-36595669-G-C.
Other names: c.4297-1G>C (NM_173636.5, NM_001411145.1); c.4063-1G>C (NM_001411146.1); c.3961-1G>C (NM_001411147.1).
Identifiers: ClinVar variation 977613 (VCV000977613.2), dbSNP rs1973640822, ClinGen allele CA405461791.